The following is an entry in ClinVar:

NM_000439.5(PCSK1):c.1131G>A (p.Thr377=)

Genes: CAST (calpastatin; plus strand), PCSK1 (proprotein convertase subtilisin/kexin type 1; minus strand), LOC101929710 (uncharacterized LOC101929710; plus strand). Cytogenetic location: 5q15.
Variant type: single nucleotide variant.
Coding change: c.1131G>A on transcript NM_000439.5 (MANE Select); coding-DNA position 1131, G replaced by A.
Protein change: p.Thr377=; no amino-acid change (threonine 377 retained).
Molecular consequence: synonymous variant. On other transcripts: intron variant (11).
Genome position (GRCh38, 1-based): chr5:96,408,288, C>T on the plus strand (G>A on the coding strand, the complement: PCSK1 is on the minus strand). VCF-style: chr5-96408288-C-T. GRCh37 (hg19) VCF-style: chr5-95743992-C-T.
Other names: c.990G>A, p.Thr330= (NM_001177875.2); c.-175+28636C>T (NM_001423254.1, NM_001423259.1, NM_001423255.1 and 6 more transcripts); c.-103+28636C>T (NM_001423253.1); c.-40+28636C>T (NM_001423258.1).
Identifiers: ClinVar variation 3035578 (VCV003035578.2), dbSNP rs200195073, ClinGen allele CA3350287.

ClinVar aggregate classification (germline): Likely benign (0 of 4 stars; one submission).

Conditions:
PCSK1-related disorder. Also called: PCSK1-related condition.

Allele frequency attached by ClinVar (database versions not stated): gnomAD 0.00005; ExAC 0.00019; 1000 Genomes Project 30x 0.00031; 1000 Genomes Project 0.00040.
gnomAD v4.1: 73 of 1,613,936 alleles (0.0045%); highest among the groups gnomAD compares: East Asian, 0.076%; 1 homozygote.

Submission:

PreventionGenetics, part of Exact Sciences
Classification: Likely benign for PCSK1-related condition. Last evaluated: 2021-06-17. Review status: no assertion criteria provided. Collection method: clinical testing. Allele origin: germline.
Comment: This variant is classified as likely benign based on ACMG/AMP sequence variant interpretation guidelines (Richards et al. 2015 PMID: 25741868, with internal and published modifications).